The following is an entry in ClinVar:

ClinVar aggregate classification (germline): Uncertain significance (1 of 4 stars; one submission).

Submission:

Labcorp Genetics (formerly Invitae), Labcorp
Classification: Uncertain significance. Last evaluated: 2025-10-27. Review status: criteria provided, single submitter. Criteria: Invitae Variant Classification Sherloc (09022015). Collection method: clinical testing. Allele origin: germline.
Comment: This sequence change replaces leucine, which is neutral and non-polar, with phenylalanine, which is neutral and non-polar, at codon 619 of the MICAL1 protein (p.Leu619Phe). This variant is not present in population databases (gnomAD no frequency). This variant has not been reported in the literature in individuals affected with MICAL1-related conditions. ClinVar contains an entry for this variant (Variation ID: 1963758). An algorithm developed to predict the effect of missense changes on protein structure and function (PolyPhen-2) suggests that this variant is likely to be disruptive. In summary, the available evidence is currently insufficient to determine the role of this variant in disease. Therefore, it has been classified as a Variant of Uncertain Significance.

NM_022765.4(MICAL1):c.1798C>T (p.Leu600Phe)

Gene: MICAL1 (microtubule associated monooxygenase, calponin and LIM domain containing 1; minus strand). Cytogenetic location: 6q21.
Variant type: single nucleotide variant.
Coding change: c.1798C>T on transcript NM_022765.4 (MANE Select); coding-DNA position 1798, C replaced by T.
Protein change: p.Leu600Phe; replaces leucine 600 with phenylalanine.
Molecular consequence: missense variant.
Genome position (GRCh38, 1-based): chr6:109,448,260, G>A on the plus strand (C>T on the coding strand, the complement: MICAL1 is on the minus strand). VCF-style: chr6-109448260-G-A. GRCh37 (hg19) VCF-style: chr6-109769463-G-A.
Other names: c.1540C>T, p.Leu514Phe (NM_001159291.2); c.1855C>T, p.Leu619Phe (NM_001286613.2); short protein forms L619F, L514F, L600F.
Identifiers: ClinVar variation 1963758 (VCV001963758.5), dbSNP rs2482787387, ClinGen allele CA365227237.